The following is an entry in ClinVar:

NM_130384.3(ATRIP):c.686C>G (p.Pro229Arg)

Genes: ATRIP (ATR interacting protein; plus strand), ATRIP-TREX1 (ATRIP-TREX1 readthrough; plus strand). Cytogenetic location: 3p21.31.
Variant type: single nucleotide variant.
Coding change: c.686C>G on transcript NM_130384.3 (MANE Select); coding-DNA position 686, C replaced by G.
Protein change: p.Pro229Arg; replaces proline 229 with arginine.
Molecular consequence: missense variant. On other transcripts: non-coding transcript variant (1).
Genome position (GRCh38, 1-based): chr3:48,457,273, C>G. VCF-style: chr3-48457273-C-G. GRCh37 (hg19) VCF-style: chr3-48498673-C-G.
Other names: c.305C>G, p.Pro102Arg (NM_001271022.2); c.407C>G, p.Pro136Arg (NM_001271023.2); c.686C>G, p.Pro229Arg (NM_032166.4); short protein forms P136R, P102R, P229R.
Identifiers: ClinVar variation 3464850 (VCV003464850.1).
Genomic context (GRCh38, chr3:48,457,273, plus strand): 5'-GTTTTAGTAGAATCATTACTTTGCTTTCATAGTTAACTTTTTCCAGTCCTAGGAAAAACC[C>G]TTCTGTGGTTATAAAGCCAGAAGCATGTTCTCCACAATTTGGAAAAACATCTTTTCCTAC-3'
Protein context (NP_569055.1, residues 219-239): SVSHVSPRKN[Pro229Arg]SVVIKPEACS

ClinVar aggregate classification (germline): Uncertain significance (1 of 4 stars; one submission).

gnomAD v4.1: 8 of 1,583,698 alleles (0.00051%); highest among the groups gnomAD compares: African/African-American, 0.011%; no homozygotes.

Submission:

Ambry Genetics
Classification: Uncertain significance. Last evaluated: 2024-12-01. Review status: criteria provided, single submitter. Criteria: Ambry Variant Classification Scheme 2023. Collection method: clinical testing. Allele origin: germline.
Comment: The p.P229R variant (also known as c.686C>G), located in coding exon 5 of the ATRIP gene, results from a C to G substitution at nucleotide position 686. The proline at codon 229 is replaced by arginine, an amino acid with dissimilar properties. This amino acid position is conserved. In addition, this alteration is predicted to be tolerated by in silico analysis. Based on the available evidence, the clinical significance of this variant remains unclear.